The following is an entry in ClinVar:

NM_058216.3(RAD51C):c.677T>C (p.Leu226Pro)

Genes: RAD51C (RAD51 paralog C; plus strand), LOC129390903 (MPRA-validated peak2919 silencer; plus strand). Cytogenetic location: 17q22.
Variant type: single nucleotide variant.
Coding change: c.677T>C on transcript NM_058216.3 (MANE Select); coding-DNA position 677, T replaced by C.
Protein change: p.Leu226Pro; replaces leucine 226 with proline.
Molecular consequence: missense variant. On other transcripts: non-coding transcript variant (1).
Genome position (GRCh38, 1-based): chr17:58,703,301, T>C. VCF-style: chr17-58703301-T-C. GRCh37 (hg19) VCF-style: chr17-56780662-T-C.
Other names: short protein forms L226P.
Identifiers: ClinVar variation 486269 (VCV000486269.23), dbSNP rs1225858240, ClinGen allele CA400349955.

ClinVar aggregate classification (germline): Conflicting classifications of pathogenicity. Review status: criteria provided, conflicting classifications (1 of 4 stars). 7 submissions from 7 submitters: Likely pathogenic (3); Uncertain significance (4). Last evaluated 2025-09-05.

Conditions:
Breast-ovarian cancer, familial, susceptibility to, 3. Also called: RAD51C-Related Breast/Ovarian Cancer. Identifiers: Orphanet 145, MedGen C3150659, MONDO:0013253, OMIM 613399.
Hereditary cancer-predisposing syndrome. Also called: Tumor predisposition; Neoplastic Syndromes, Hereditary; Hereditary Cancer Syndrome; Hereditary neoplastic syndrome. Identifiers: Orphanet 140162, MedGen C0027672, MeSH D009386, MONDO:0015356.
Fanconi anemia complementation group O. Also called: RAD51C-Related Fanconi Anemia. Identifiers: Orphanet 84, MedGen C3150653, MONDO:0013248, OMIM 613390.

Allele frequency attached by ClinVar (database versions not stated): gnomAD exomes below 0.00001; TOPMed 0.00001.
gnomAD v4.1: 2 of 1,612,094 alleles (0.00012%); highest among the groups gnomAD compares: Non-Finnish European, 0.00017%; no homozygotes.

Submissions (7):

Ambry Genetics
Classification: Likely pathogenic for Hereditary cancer-predisposing syndrome. Last evaluated: 2025-09-05. Review status: criteria provided, single submitter. Criteria: Ambry Variant Classification Scheme 2023. Collection method: clinical testing. Allele origin: germline.
Comment: The p.L226P variant (also known as c.677T>C), located in coding exon 4 of the RAD51C gene, results from a T to C substitution at nucleotide position 677. The leucine at codon 226 is replaced by proline, an amino acid with similar properties. In one study, this variant was reported in 1/3429 patients with epithelial ovarian cancer and 0/2772 controls (Song H et al. J. Clin. Oncol., 2015 Sep;33:2901-7). This variant was also identified in 1/882 Chinese individuals who underwent multi-gene panel testing for HBOC risk assessment (Shao D et al, Cancer Sci., 2020 Feb;111:647-657). In multiple assays testing RAD51C function, this alteration showed an abnormal read-out (Prakash R et al. Proc Natl Acad Sci U S A, 2022 Sep;119:e2202727119; Olvera-Le&oacute;n R et al Cell 2024 Oct;187(20):5719-5734.e19). This amino acid position is highly conserved in available vertebrate species. In addition, this alteration is predicted to be deleterious by in silico analysis. This variant is considered to be rare based on population cohorts in the Genome Aggregation Database (gnomAD). Based on the majority of available evidence to date, this variant is likely to be pathogenic.

Color Diagnostics, LLC DBA Color Health
Classification: Likely pathogenic for Hereditary cancer-predisposing syndrome. Last evaluated: 2025-05-27. Review status: criteria provided, single submitter. Criteria: ACMG Guidelines, 2015. Collection method: clinical testing. Allele origin: germline.
Comment: This missense variant replaces leucine with proline at codon 226 of the RAD51C protein. Computational prediction suggests that this variant may have a deleterious impact on protein structure and function. Functional studies have shown that this variant disrupts homologous recombination and protein interactions with RAD51D, RAD51B, and XRCC3 (PMID: 36099300). This variant has been reported in an individual affected with ovarian cancer (PMID: 26261251) and in a cohort of individuals at high-risk for hereditary breast and ovarian cancer (PMID: 31742824). This variant has not been identified in the general population by the Genome Aggregation Database (gnomAD). Based on the available evidence, this variant is classified as Likely Pathogenic.

Myriad Genetics, Inc.
Classification: Likely pathogenic for Breast-ovarian cancer, familial, susceptibility to, 3. Last evaluated: 2024-11-25. Review status: criteria provided, single submitter. Criteria: Myriad Autosomal Dominant, Autosomal Recessive and X-Linked Classification Criteria (2023). Collection method: clinical testing. Allele origin: unknown.
Comment: This variant is considered likely pathogenic. Functional studies indicate this variant impacts protein function [PMID: 39299233, 36099300]. This variant is expected to disrupt protein structure [Myriad internal data].

Labcorp Genetics (formerly Invitae), Labcorp
Classification: Uncertain significance for Fanconi anemia complementation group O. Last evaluated: 2022-12-18. Review status: criteria provided, single submitter. Criteria: Invitae Variant Classification Sherloc (09022015). Collection method: clinical testing. Allele origin: germline.
Comment: This sequence change replaces leucine, which is neutral and non-polar, with proline, which is neutral and non-polar, at codon 226 of the RAD51C protein (p.Leu226Pro). This variant is not present in population databases (gnomAD no frequency). This missense change has been observed in individual(s) with breast and/or ovarian cancer (PMID: 26261251, 31742824). ClinVar contains an entry for this variant (Variation ID: 486269). Advanced modeling of protein sequence and biophysical properties (such as structural, functional, and spatial information, amino acid conservation, physicochemical variation, residue mobility, and thermodynamic stability) performed at Invitae indicates that this missense variant is expected to disrupt RAD51C protein function. In summary, the available evidence is currently insufficient to determine the role of this variant in disease. Therefore, it has been classified as a Variant of Uncertain Significance.

Sema4
Classification: Uncertain significance for Hereditary cancer-predisposing syndrome. Last evaluated: 2021-11-22. Review status: criteria provided, single submitter. Criteria: Sema4 Curation Guidelines. Collection method: curation. Allele origin: germline.
Comment: The RAD51C c.677T>C (p.L226P) variant has been reported in an individual with ovarian cancer, as well as an individual undergoing gentetic testing for hereditary breast and ovarian cancer (PMID: 26261251, 31742824). It was not observed in the large and broad cohorts of the Genome Aggregation Database. The variant has been reported in ClinVar (Variation ID: 486269). In silico tools suggest the impact of the variant on protein function is deleterious, though these predictions have not been confirmed by functional studies. The evidence is insufficient to meet ACMG/AMP criteria for classifying the variant as benign or pathogenic. Thus, the clinical significance of this variant is currently uncertain.

GeneDx
Classification: Uncertain significance. Last evaluated: 2020-06-17. Review status: criteria provided, single submitter. Criteria: GeneDx Variant Classification Process June 2021. Collection method: clinical testing. Allele origin: germline. Affected: yes.
Comment: Not observed in large population cohorts (Lek et al., 2016); In silico analysis supports that this missense variant has a deleterious effect on protein structure/function; Observed in individuals with ovarian cancer (Song 2015); This variant is associated with the following publications: (PMID: 26261251)

Quest Diagnostics Nichols Institute San Juan Capistrano
Classification: Uncertain significance. Last evaluated: 2018-02-22. Review status: criteria provided, single submitter. Criteria: Quest Diagnostics criteria. Collection method: clinical testing. Allele origin: germline.

Literature cited by the submitters: PubMed 26261251 (cited by 4 submitters); PubMed 31742824 (cited by 4 submitters); PubMed 36099300 (cited by 3 submitters); PubMed 39299233 (cited by Ambry Genetics and Myriad Genetics, Inc.).